The following is an entry in ClinVar:

NM_000342.4(SLC4A1):c.1295G>A (p.Arg432Gln)

Gene: SLC4A1 (solute carrier family 4 member 1 (Diego blood group); minus strand). Cytogenetic location: 17q21.31.
Variant type: single nucleotide variant.
Coding change: c.1295G>A on transcript NM_000342.4 (MANE Select); coding-DNA position 1295, G replaced by A.
Protein change: p.Arg432Gln; replaces arginine 432 with glutamine.
Molecular consequence: missense variant.
Genome position (GRCh38, 1-based): chr17:44,257,795, C>T on the plus strand (G>A on the coding strand, the complement: SLC4A1 is on the minus strand). VCF-style: chr17-44257795-C-T. GRCh37 (hg19) VCF-style: chr17-42335163-C-T.
Other names: p.Arg432Gln; short protein forms R432Q.
Identifiers: ClinVar variation 1693703 (VCV001693703.6), dbSNP rs200576400, ClinGen allele CA8600306.

ClinVar aggregate classification (germline): Uncertain significance. Review status: criteria provided, multiple submitters, no conflicts (2 of 4 stars). 2 submissions from 2 submitters: Uncertain significance (2). Last evaluated 2025-11-26.

Allele frequency attached by ClinVar (database versions not stated): gnomAD 0.00001; gnomAD exomes 0.00004.
gnomAD v4.1: 66 of 1,613,632 alleles (0.0041%); highest among the groups gnomAD compares: Middle Eastern, 0.34%; no homozygotes.

Submissions (2):

Women's Health and Genetics/Laboratory Corporation of America, LabCorp
Classification: Uncertain significance. Last evaluated: 2025-11-26. Review status: criteria provided, single submitter. Criteria: LabCorp Variant Classification Summary - May 2015. Collection method: clinical testing. Allele origin: germline.
Comment: Variant summary: SLC4A1 c.1295G>A (p.Arg432Gln) results in a conservative amino acid change in the encoded protein sequence. Algorithms developed to predict the effect of missense changes on protein structure and function all suggest that this variant is likely to be tolerated. The variant allele was found at a frequency of 1.6e-05 in 250260 control chromosomes. The available data on variant occurrences in the general population are insufficient to allow any conclusion about variant significance. To our knowledge, no occurrence of c.1295G>A in individuals affected with SLC4A1-related conditions and no experimental evidence demonstrating its impact on protein function have been reported. ClinVar contains an entry for this variant (Variation ID: 1693703). Based on the evidence outlined above, the variant was classified as uncertain significance.

Mayo Clinic Laboratories, Mayo Clinic
Classification: Uncertain significance. Last evaluated: 2025-07-17. Review status: criteria provided, single submitter. Criteria: ACMG Guidelines, 2015. Collection method: clinical testing. Allele origin: germline. Observed: 5 variant alleles.
Comment: BP4_strong